The following is an entry in ClinVar:

NM_001177693.2(ARHGEF28):c.2951A>G (p.Asn984Ser)

Gene: ARHGEF28 (Rho guanine nucleotide exchange factor 28; plus strand). Cytogenetic location: 5q13.2.
Variant type: single nucleotide variant.
Coding change: c.2951A>G on transcript NM_001177693.2 (MANE Select); coding-DNA position 2951, A replaced by G.
Protein change: p.Asn984Ser; replaces asparagine 984 with serine.
Molecular consequence: missense variant.
Genome position (GRCh38, 1-based): chr5:73,883,780, A>G. VCF-style: chr5-73883780-A-G. GRCh37 (hg19) VCF-style: chr5-73179605-A-G.
Other names: c.2951A>G, p.Asn984Ser (NM_001080479.3, NM_001388078.1); c.2012A>G, p.Asn671Ser (NM_001244364.2); c.2657A>G, p.Asn886Ser (NM_001388076.1); short protein forms N671S, N886S, N984S.
Identifiers: ClinVar variation 2351511 (VCV002351511.3), dbSNP rs754933332, ClinGen allele CA3304970.

ClinVar aggregate classification (germline): Uncertain significance. Review status: criteria provided, multiple submitters, no conflicts (2 of 4 stars). 2 submissions from 2 submitters: Uncertain significance (2). Last evaluated 2022-11-21.

Conditions:
ARHGEF28-related disorder. Also called: ARHGEF28-related condition.

Allele frequency attached by ClinVar (database versions not stated): gnomAD 0.00001; gnomAD exomes 0.00001; TOPMed 0.00001; ExAC 0.00005.
gnomAD v4.1: 9 of 1,553,566 alleles (0.00058%); highest among the groups gnomAD compares: Admixed American, 0.014%; no homozygotes.

Submissions (2):

PreventionGenetics, part of Exact Sciences
Classification: Uncertain significance for ARHGEF28-related condition. Last evaluated: 2022-11-21. Review status: criteria provided, single submitter. Criteria: ACMG Guidelines, 2015. Collection method: clinical testing. Allele origin: germline.
Comment: The ARHGEF28 c.2951A>G variant is predicted to result in the amino acid substitution p.Asn984Ser. To our knowledge, this variant has not been reported in the literature. This variant is reported in 0.0083% of alleles in individuals of Latino descent in gnomAD. At this time, the clinical significance of this variant is uncertain due to the absence of conclusive functional and genetic evidence.

Ambry Genetics
Classification: Uncertain significance. Last evaluated: 2021-08-02. Review status: criteria provided, single submitter. Criteria: Ambry Variant Classification Scheme 2023. Collection method: clinical testing. Allele origin: germline.